The following is an entry in ClinVar:

NM_001267550.2(TTN):c.95357A>G (p.Asn31786Ser)

Genes: TTN-AS1 (TTN antisense RNA 1; plus strand), TTN (titin; minus strand). Cytogenetic location: 2q31.2.
Variant type: single nucleotide variant.
Coding change: c.95357A>G on transcript NM_001267550.2 (MANE Select); coding-DNA position 95357, A replaced by G.
Protein change: p.Asn31786Ser; replaces asparagine 31786 with serine.
Molecular consequence: missense variant.
Genome position (GRCh38, 1-based): chr2:178,545,879, T>C on the plus strand (A>G on the coding strand, the complement: TTN is on the minus strand). VCF-style: chr2-178545879-T-C. GRCh37 (hg19) VCF-style: chr2-179410606-T-C.
Other names: c.90434A>G, p.Asn30145Ser (NM_001256850.1); c.68162A>G, p.Asn22721Ser (NM_003319.4); c.87653A>G, p.Asn29218Ser (NM_133378.4); c.68537A>G, p.Asn22846Ser (NM_133432.3); c.68738A>G, p.Asn22913Ser (NM_133437.4); short protein forms N22721S, N22846S, N22913S, N29218S, N30145S, N31786S.
Identifiers: ClinVar variation 993564 (VCV000993564.15), dbSNP rs1696865626, ClinGen allele CA349462621.
Genomic context (GRCh38, chr2:178,545,879, plus strand): 5'-CTGAATGAGTTTCTGGCTACAATTGGCTCTGATTCAACAGGCACACCAGGGCCATATTTG[T>C]TTACTGCCCTCACTCGGAATATGTACTCATTGTTCTTGATGAGCCTGGTAACGACATAGG-3'
Protein context (NP_001254479.2, residues 31776-31796): NEYIFRVRAV[Asn31786Ser]KYGPGVPVES

ClinVar aggregate classification (germline): Uncertain significance. Review status: criteria provided, multiple submitters, no conflicts (2 of 4 stars). 2 submissions from 2 submitters: Uncertain significance (2). Last evaluated 2025-11-02.

Conditions:
Dilated cardiomyopathy 1G (CMD1G). Identifiers: Orphanet 154, MedGen C1858763, MONDO:0011400, OMIM 604145.
Autosomal recessive limb-girdle muscular dystrophy type 2J (LGMDR10). Also called: MUSCULAR DYSTROPHY, LIMB-GIRDLE, AUTOSOMAL RECESSIVE 10; Limb-girdle muscular dystrophy, type 2J. Identifiers: Orphanet 140922, MedGen C1837342, MONDO:0012127, OMIM 608807.

Allele frequency attached by ClinVar (database versions not stated): gnomAD exomes below 0.00001; TOPMed 0.00001.
gnomAD v4.1: 1 of 1,613,908 alleles (0.000062%); highest among the groups gnomAD compares: Non-Finnish European, 0.000085%; no homozygotes.

Submissions (2):

Labcorp Genetics (formerly Invitae), Labcorp
Classification: Uncertain significance for Dilated cardiomyopathy 1G; Autosomal recessive limb-girdle muscular dystrophy type 2J. Last evaluated: 2025-11-02. Review status: criteria provided, single submitter. Criteria: Invitae Variant Classification Sherloc (09022015). Collection method: clinical testing. Allele origin: germline.
Comment: This sequence change replaces asparagine, which is neutral and polar, with serine, which is neutral and polar, at codon 31786 of the TTN protein (p.Asn31786Ser). This variant is not present in population databases (gnomAD no frequency). This variant has not been reported in the literature in individuals affected with TTN-related conditions. ClinVar contains an entry for this variant (Variation ID: 993564). Experimental studies and prediction algorithms are not available or were not evaluated, and the functional significance of this variant is currently unknown. This variant is located in the A band of TTN (PMID: 25589632). Variants in this region may be relevant for cardiac or neuromuscular disorders (PMID: 25589632, 23975875). In summary, the available evidence is currently insufficient to determine the role of this variant in disease. Therefore, it has been classified as a Variant of Uncertain Significance.

ARUP Laboratories, Molecular Genetics and Genomics, ARUP Laboratories
Classification: Uncertain significance. Last evaluated: 2019-08-02. Review status: criteria provided, single submitter. Criteria: ARUP Molecular Germline Variant Investigation Process. Collection method: clinical testing. Allele origin: germline.
Comment: The TTN c.95357A>G; p.Asn31786Ser variant is rare in the general population (<1% allele frequency in the Genome Aggregation Database) and has not been reported in the medical literature in association with dilated cardiomyopathy (DCM) or other TTN-related disease. The clinical relevance of rare missense variants in this gene, which are identified on average once per individual sequenced in affected populations (Herman 2012), is not well understood. Yet, evidence suggests that the vast majority of such missense variants do not contribute to the clinical outcome of DCM (Begay 2015). Thus, the clinical significance of the p.Asn31786Ser variant cannot be determined with certainty.

Literature cited by the submitters: PubMed 25589632 (cited by Labcorp Genetics (formerly Invitae), Labcorp); PubMed 23975875 (cited by Labcorp Genetics (formerly Invitae), Labcorp).